The following is an entry in ClinVar:

ClinVar aggregate classification (germline): Uncertain significance (1 of 4 stars; one submission).

Conditions:
Brugada syndrome. Also called: Sudden unexplained nocturnal death syndrome; Sudden Unexplained Death Syndrome; Sudden Unexplained Nocturnal Death Syndrome (SUNDS); Sudden unexpected nocturnal death syndrome. Identifiers: Orphanet 130, MedGen C1142166, MONDO:0015263.

Allele frequency attached by ClinVar (database versions not stated): gnomAD exomes 0.00004; gnomAD 0.00002; TOPMed 0.00002.
gnomAD v4.1: 44 of 1,210,177 alleles (0.0036%); highest among the groups gnomAD compares: Non-Finnish European, 0.0048%; no homozygotes.

Submission:

Labcorp Genetics (formerly Invitae), Labcorp
Classification: Uncertain significance for Brugada syndrome. Last evaluated: 2025-02-07. Review status: criteria provided, single submitter. Criteria: Invitae Variant Classification Sherloc (09022015). Collection method: clinical testing. Allele origin: germline.
Comment: This sequence change replaces serine, which is neutral and polar, with glycine, which is neutral and non-polar, at codon 27 of the KCNE5 protein (p.Ser27Gly). The frequency data for this variant in the population databases is considered unreliable, as metrics indicate poor data quality at this position in the gnomAD database. This variant has not been reported in the literature in individuals affected with KCNE5-related conditions. ClinVar contains an entry for this variant (Variation ID: 2888035). An algorithm developed to predict the effect of missense changes on protein structure and function (PolyPhen-2) suggests that this variant is likely to be tolerated. In summary, the available evidence is currently insufficient to determine the role of this variant in disease. Therefore, it has been classified as a Variant of Uncertain Significance.

NM_012282.4(KCNE5):c.79A>G (p.Ser27Gly)

Gene: KCNE5 (potassium voltage-gated channel subfamily E regulatory subunit 5; minus strand). Cytogenetic location: Xq23.
Variant type: single nucleotide variant.
Coding change: c.79A>G on transcript NM_012282.4 (MANE Select); coding-DNA position 79, A replaced by G.
Protein change: p.Ser27Gly; replaces serine 27 with glycine.
Molecular consequence: missense variant.
Genome position (GRCh38, 1-based): chrX:109,624,942, T>C on the plus strand (A>G on the coding strand, the complement: KCNE5 is on the minus strand). VCF-style: chrX-109624942-T-C. GRCh37 (hg19) VCF-style: chrX-108868171-T-C.
Other names: short protein forms S27G.
Identifiers: ClinVar variation 2888035 (VCV002888035.3), dbSNP rs1339440715, ClinGen allele CA414214036.